The following is an entry in ClinVar:

NM_020944.3(GBA2):c.2135A>G (p.Gln712Arg)

Gene: GBA2 (glucosylceramidase beta 2; minus strand). Cytogenetic location: 9p13.3.
Variant type: single nucleotide variant.
Coding change: c.2135A>G on transcript NM_020944.3 (MANE Select); coding-DNA position 2135, A replaced by G.
Protein change: p.Gln712Arg; replaces glutamine 712 with arginine.
Molecular consequence: missense variant.
Genome position (GRCh38, 1-based): chr9:35,738,294, T>C on the plus strand (A>G on the coding strand, the complement: GBA2 is on the minus strand). VCF-style: chr9-35738294-T-C. GRCh37 (hg19) VCF-style: chr9-35738291-T-C.
Other names: c.2135A>G, p.Gln712Arg (NM_001330660.2); short protein forms Q712R.
Identifiers: ClinVar variation 2082755 (VCV002082755.4), dbSNP rs2490842855, ClinGen allele CA373408230.

ClinVar aggregate classification (germline): Uncertain significance (1 of 4 stars; one submission).

Conditions:
Spastic paraplegia. Identifiers: MedGen C0037772, HP:0001258.

Allele frequency attached by ClinVar (database versions not stated): gnomAD exomes below 0.00001.
gnomAD v4.1: 1 of 1,614,168 alleles (0.000062%); highest among the groups gnomAD compares: Non-Finnish European, 0.000085%; no homozygotes.

Submission:

Labcorp Genetics (formerly Invitae), Labcorp
Classification: Uncertain significance for Spastic paraplegia. Last evaluated: 2023-02-17. Review status: criteria provided, single submitter. Criteria: Invitae Variant Classification Sherloc (09022015). Collection method: clinical testing. Allele origin: germline.
Comment: This sequence change replaces glutamine, which is neutral and polar, with arginine, which is basic and polar, at codon 712 of the GBA2 protein (p.Gln712Arg). This variant is not present in population databases (gnomAD no frequency). This variant has not been reported in the literature in individuals affected with GBA2-related conditions. Advanced modeling of protein sequence and biophysical properties (such as structural, functional, and spatial information, amino acid conservation, physicochemical variation, residue mobility, and thermodynamic stability) performed at Invitae indicates that this missense variant is not expected to disrupt GBA2 protein function. In summary, the available evidence is currently insufficient to determine the role of this variant in disease. Therefore, it has been classified as a Variant of Uncertain Significance.